The following is an entry in ClinVar:

ClinVar aggregate classification (germline): Pathogenic/Likely pathogenic. Review status: criteria provided, multiple submitters, no conflicts (2 of 4 stars). 5 submissions from 5 submitters: Pathogenic (4); Likely pathogenic (1). Last evaluated 2025-10-15.

Conditions:
Bardet-Biedl syndrome (BBS). Identifiers: Orphanet 110, MedGen C0752166, MONDO:0015229.
Bardet-Biedl syndrome 2 (BBS2). Identifiers: Orphanet 110, MedGen C2936863, MONDO:0014432, OMIM 615981.
Retinitis pigmentosa 74 (RP74). Identifiers: Orphanet 791, MedGen C4225281, MONDO:0014692, OMIM 616562.
BBS2-related disorder. Also called: BBS2-related condition; BBS2-related disorders. Identifiers: MedGen CN239228.

Allele frequency attached by ClinVar (database versions not stated): gnomAD exomes below 0.00001; TOPMed 0.00002.

Submissions (5):

PreventionGenetics, part of Exact Sciences
Classification: Pathogenic for BBS2-related condition. Last evaluated: 2025-10-15. Review status: criteria provided, single submitter. Criteria: ACMG Guidelines, 2015. Collection method: clinical testing. Allele origin: germline.
Comment: The BBS2 c.402delT variant is predicted to result in a frameshift and premature protein termination (p.Ala136Argfs*65). This variant has been reported in the presumed compound heterozygous state with a second disease-causing BBS2 variant in three individuals from two apparently unrelated families with Bardet-Biedl syndrome (Hichri et al. 2005. PubMed ID: 15770229; Cortinhal et al. 2024. PubMed ID: 38189974). This variant is reported in 0.0029% of alleles in individuals of Latino descent in gnomAD. Frameshift variants in BBS2 are expected to be pathogenic. This variant is interpreted as pathogenic.

Natera, Inc.
Classification: Pathogenic for Bardet-Biedl syndrome type 2. Last evaluated: 2024-09-12. Review status: criteria provided, single submitter. Criteria: Natera Variant Classification Schema (03/2026). Collection method: clinical testing. Allele origin: germline.
Comment: The c.402delT variant in BBS2 is a frameshift variant predicted to shift the reading frame beginning at codon 136 and leads to a stop codon 65 codons downstream. This variant is expected to result in nonsense mediated decay, truncation, or a dysfunctional protein product. This variant is rare in the general population with a frequency below the threshold expected for the associated phenotype(s). This variant has been observed in one or more individuals affected with the associated recessive disease, as either homozygous or compound heterozygous with a second variant (PMID: 15770229). Given the available evidence, this variant is classified as Pathogenic.

Labcorp Genetics (formerly Invitae), Labcorp
Classification: Pathogenic for Bardet-Biedl syndrome. Last evaluated: 2023-10-03. Review status: criteria provided, single submitter. Criteria: Invitae Variant Classification Sherloc (09022015). Collection method: clinical testing. Allele origin: germline.
Comment: This sequence change creates a premature translational stop signal (p.Ala136Argfs*65) in the BBS2 gene. It is expected to result in an absent or disrupted protein product. Loss-of-function variants in BBS2 are known to be pathogenic (PMID: 11285252, 20177705, 24608809, 26518167). This variant is present in population databases (no rsID available, gnomAD 0.003%). This premature translational stop signal has been observed in individual(s) with Bardet–Biedl syndrome (PMID: 15770229). In at least one individual the data is consistent with being in trans (on the opposite chromosome) from a pathogenic variant. ClinVar contains an entry for this variant (Variation ID: 633078). For these reasons, this variant has been classified as Pathogenic.

Fulgent Genetics
Classification: Pathogenic for Bardet-Biedl syndrome 2; Retinitis pigmentosa 74. Last evaluated: 2021-12-08. Review status: criteria provided, single submitter. Criteria: ACMG Guidelines, 2015. Collection method: clinical testing. Allele origin: unknown.

Women's Health and Genetics/Laboratory Corporation of America, LabCorp
Classification: Likely pathogenic for Bardet-Biedl syndrome. Last evaluated: 2021-06-18. Review status: criteria provided, single submitter. Criteria: LabCorp Variant Classification Summary - May 2015. Collection method: clinical testing. Allele origin: germline.
Comment: Variant summary: BBS2 c.402delT (p.Ala136ArgfsX65) results in a premature termination codon, predicted to cause a truncation of the encoded protein or absence of the protein due to nonsense mediated decay, which are commonly known mechanisms for disease. The variant allele was found at a frequency of 4e-06 in 251430 control chromosomes (gnomAD). c.402delT has been reported in the literature in compound heterozygosity with another putative LOF variant in BBS2 in an individual affected with Bardet-Biedl Syndrome (Hichri_2005). To our knowledge, no experimental evidence demonstrating an impact on protein function has been reported. No other ClinVar submitters have submitted clinical-significance assessments for this variant to ClinVar after 2014. Based on the evidence outlined above, the variant was classified as likely pathogenic.

Literature cited by the submitters: PubMed 15770229 (cited by 3 submitters); PubMed 11285252 (cited by Labcorp Genetics (formerly Invitae), Labcorp); PubMed 20177705 (cited by Labcorp Genetics (formerly Invitae), Labcorp and Women's Health and Genetics/Laboratory Corporation of America, LabCorp); PubMed 24608809 (cited by Labcorp Genetics (formerly Invitae), Labcorp); PubMed 26518167 (cited by Labcorp Genetics (formerly Invitae), Labcorp); PubMed 21044901 (cited by Women's Health and Genetics/Laboratory Corporation of America, LabCorp); PubMed 21157496 (cited by Women's Health and Genetics/Laboratory Corporation of America, LabCorp).

NM_031885.5(BBS2):c.402del (p.Ala136fs)

Gene: BBS2 (Bardet-Biedl syndrome 2; minus strand). Cytogenetic location: 16q13.
Variant type: Deletion.
Coding change: c.402del on transcript NM_031885.5 (MANE Select); coding-DNA position 402, one base deleted (T; older notation c.402delT).
Protein change: p.Ala136fs; shifts the reading frame from alanine 136.
Molecular consequence: frameshift variant. On other transcripts: non-coding transcript variant (5).
Genome position (GRCh38, 1-based): chr16:56,511,228, A deleted on the plus strand (T on the coding strand, the reverse complement: BBS2 is on the minus strand). VCF-style (leftmost placement, unchanged base first): chr16-56511227-GA-G. GRCh37 (hg19) VCF-style: chr16-56545139-GA-G.
Other names: c.402del, p.Ala136fs (NM_001377456.1); short protein forms A136fs.
Identifiers: ClinVar variation 633078 (VCV000633078.10), dbSNP rs1368647604, ClinGen allele CA622312173.